The following is an entry in ClinVar:

NM_007194.4(CHEK2):c.724_725insG (p.Thr242fs)

Gene: CHEK2 (checkpoint kinase 2; minus strand). Cytogenetic location: 22q12.1.
Variant type: Insertion.
Coding change: c.724_725insG on transcript NM_007194.4 (MANE Select); coding-DNA positions 724 to 725, G inserted.
Protein change: p.Thr242fs; shifts the reading frame from threonine 242.
Molecular consequence: frameshift variant.
Genome position: GRCh38 VCF-style: chr22-28711976-G-GC. GRCh37 (hg19) VCF-style: chr22-29107964-G-GC.
Other names: c.853_854insG, p.Thr285Serfs (NM_001005735.3); c.61_62insG, p.Thr21Serfs (NM_001257387.3); c.523_524insG, p.Thr175Serfs (NM_001349956.3); c.724_725insG, p.Thr242Serfs (NM_145862.3); short protein forms T175fs, T21fs, T242fs, T285fs.
Identifiers: ClinVar variation 2583286 (VCV002583286.2), dbSNP rs2517962252, ClinGen allele CA2582342774.
Genomic context (GRCh38, chr22:28,711,976, plus strand): 5'-CTTGCTGAACCAATAGCAAACTTCCTTTTGCTGATGATCTTTATGGCTACTTTCTTACAT[G>GC]TTTTCCTCTCGAAAGCCAGCTTTACCTCTCCACAGGCACCACTAGAGGGAAAAACAAAGA-3'

ClinVar aggregate classification (germline): Pathogenic (1 of 4 stars; one submission).

Conditions:
Familial cancer of breast. Also called: Hereditary breast cancer; BREAST CANCER, FAMILIAL; hereditary breast carcinoma. Identifiers: Orphanet 227535, MedGen C0346153, MONDO:0016419, OMIM 114480. Disease mechanism: loss of function.

Submission:

Myriad Genetics, Inc.
Classification: Pathogenic for Familial cancer of breast. Last evaluated: 2023-06-26. Review status: criteria provided, single submitter. Criteria: Myriad Autosomal Dominant, Autosomal Recessive and X-Linked Classification Criteria (2023). Collection method: clinical testing. Allele origin: unknown.
Comment: This variant is considered pathogenic. This variant creates a frameshift predicted to result in premature protein truncation.